The following is an entry in ClinVar:

ClinVar aggregate classification (germline): Likely pathogenic. Review status: criteria provided, multiple submitters, no conflicts (2 of 4 stars). 2 submissions from 2 submitters: Likely pathogenic (2). Last evaluated 2025-07-08.

Conditions:
von Willebrand disorder (VWD). Also called: von Willebrand Diseases; Von Willebrand disease (hereditary or acquired); von Willebrand's disease. Identifiers: MedGen C0042974, MeSH D014842, MONDO:0024574.

Submissions (2):

Women's Health and Genetics/Laboratory Corporation of America, LabCorp
Classification: Likely pathogenic for von Willebrand disorder. Last evaluated: 2025-07-08. Review status: criteria provided, single submitter. Criteria: LabCorp Variant Classification Summary - May 2015. Collection method: clinical testing. Allele origin: germline.
Comment: Variant summary: VWF c.8311T>C (p.Cys2771Arg) results in a non-conservative amino acid change in the encoded protein sequence. Algorithms developed to predict the effect of missense changes on protein structure and function all suggest that this variant is likely to be disruptive. The variant was absent in 251310 control chromosomes. c.8311T>C has been observed at a heterozygous state in one individual affected with Von Willebrand Disease (Brehm_2014). At least one publication reports experimental evidence evaluating an impact on protein function. The most pronounced variant effect results in diminished C-terminal VWF dimerisation in HEK293 cells (Brehm_2014, Lippok_2016). The following publications have been ascertained in the context of this evaluation (PMID: 24598842, 26670633). No submitters have cited clinical-significance assessments for this variant to ClinVar. Based on the evidence outlined above, the variant was classified as likely pathogenic.

Quest Diagnostics Nichols Institute San Juan Capistrano
Classification: Likely pathogenic. Last evaluated: 2025-02-18. Review status: criteria provided, single submitter. Criteria: Quest Diagnostics criteria. Collection method: clinical testing. Allele origin: unknown.
Comment: The VWF c.8311T>C (p.Cys2771Arg) variant has been reported in the published literature to be associated with Type 2A von Willebrand disease (PMID: 24598842 (2014)). Functional studies have shown that this variant causes a dimerization defect of the VWF protein and the loss of high molecular weight markers (PMIDs: 24598842 (2014), 26670633 (2016), 30645640 (2019)). This variant has not been reported in large, multi-ethnic general populations (Genome Aggregation Database). Based on the available information, this variant is classified as likely pathogenic.

Literature cited by the submitters: PubMed 24598842 (cited by Women's Health and Genetics/Laboratory Corporation of America, LabCorp and Quest Diagnostics Nichols Institute San Juan Capistrano); PubMed 26670633 (cited by Women's Health and Genetics/Laboratory Corporation of America, LabCorp and Quest Diagnostics Nichols Institute San Juan Capistrano); PubMed 24010664 (cited by Quest Diagnostics Nichols Institute San Juan Capistrano); PubMed 28987708 (cited by Quest Diagnostics Nichols Institute San Juan Capistrano); PubMed 30645640 (cited by Quest Diagnostics Nichols Institute San Juan Capistrano).

NM_000552.5(VWF):c.8311T>C (p.Cys2771Arg)

Gene: VWF (von Willebrand factor; minus strand). Cytogenetic location: 12p13.31.
Variant type: single nucleotide variant.
Coding change: c.8311T>C on transcript NM_000552.5 (MANE Select); coding-DNA position 8311, T replaced by C.
Protein change: p.Cys2771Arg; replaces cysteine 2771 with arginine.
Molecular consequence: missense variant.
Genome position (GRCh38, 1-based): chr12:5,949,146, A>G on the plus strand (T>C on the coding strand, the complement: VWF is on the minus strand). VCF-style: chr12-5949146-A-G. GRCh37 (hg19) VCF-style: chr12-6058312-A-G.
Other names: c.8311T>C (NM_000552.4); short protein forms C2771R.
Identifiers: ClinVar variation 4526083 (VCV004526083.2).